The following is an entry in ClinVar:

NM_020937.4(FANCM):c.5653C>T (p.Gln1885Ter)

Gene: FANCM (FA complementation group M; plus strand). Cytogenetic location: 14q21.2.
Variant type: single nucleotide variant.
Coding change: c.5653C>T on transcript NM_020937.4 (MANE Select); coding-DNA position 5653, C replaced by T.
Protein change: p.Gln1885Ter; replaces glutamine 1885 with a stop codon.
Molecular consequence: nonsense.
Genome position (GRCh38, 1-based): chr14:45,196,484, C>T. VCF-style: chr14-45196484-C-T. GRCh37 (hg19) VCF-style: chr14-45665687-C-T.
Other names: c.5575C>T, p.Gln1859Ter (NM_001308133.2); short protein forms Q1885*, Q1859*.
Identifiers: ClinVar variation 5005322 (VCV005005322.2).

ClinVar aggregate classification (germline): Likely pathogenic (1 of 4 stars; one submission).

Conditions:
Premature ovarian failure 15. Identifiers: MedGen C4748170, MONDO:0054862, OMIM 618096.
Spermatogenic failure 28. Identifiers: MedGen C4748117, MONDO:0054732, OMIM 618086.

gnomAD v4.1: 2 of 1,614,018 alleles (0.00012%); highest among the groups gnomAD compares: Non-Finnish European, 0.00017%; no homozygotes.

Submission:

Juno Genomics, Hangzhou Juno Genomics, Inc
Classification: Likely pathogenic for Spermatogenic failure 28; Premature ovarian failure 15. Review status: criteria provided, single submitter. Criteria: ACMG Guidelines, 2015. Collection method: clinical testing. Allele origin: germline.
Comment: Null variant in a gene where loss of function (LOF) is a known mechanism of disease.;Absent from controls (or at extremely low frequency if recessive) in Genome Aggregation Database.